The following is an entry in ClinVar:

ClinVar aggregate classification (germline): Likely benign (1 of 4 stars; one submission).

Submission:

CeGaT Center for Human Genetics Tuebingen
Classification: Likely benign. Last evaluated: 2026-07-01. Review status: criteria provided, single submitter. Criteria: CeGaT Center For Human Genetics Tuebingen Variant Classification Criteria Version 2. Collection method: clinical testing. Allele origin: germline. Affected: yes. Observed: 1 variant allele.
Comment: KLHL15: BP4, BP7

NM_030624.3(KLHL15):c.1779G>C (p.Pro593=)

Gene: KLHL15 (kelch like family member 15; minus strand). Cytogenetic location: Xp22.11.
Variant type: single nucleotide variant.
Coding change: c.1779G>C on transcript NM_030624.3 (MANE Select); coding-DNA position 1779, G replaced by C.
Protein change: p.Pro593=; no amino-acid change (proline 593 retained).
Molecular consequence: synonymous variant.
Genome position (GRCh38, 1-based): chrX:23,987,957, C>G on the plus strand (G>C on the coding strand, the complement: KLHL15 is on the minus strand). VCF-style: chrX-23987957-C-G. GRCh37 (hg19) VCF-style: chrX-24006074-C-G.
Identifiers: ClinVar variation 5040124 (VCV005040124.1).